The following is an entry in ClinVar:

ClinVar aggregate classification (germline): Conflicting classifications of pathogenicity. Review status: criteria provided, conflicting classifications (1 of 4 stars). 3 submissions from 3 submitters: Uncertain significance (2); Benign (1). Last evaluated 2025-11-20.

Conditions:
Hereditary cancer-predisposing syndrome. Also called: Tumor predisposition; Neoplastic Syndromes, Hereditary; Hereditary neoplastic syndrome; Hereditary Cancer Syndrome. Identifiers: Orphanet 140162, MedGen C0027672, MeSH D009386, MONDO:0015356.
BAP1-related tumor predisposition syndrome (TPDS1). Also called: COMMON Syndrome; Tumor susceptibility linked to germline BAP1 mutations; TUMOR PREDISPOSITION SYNDROME 1; BAP1 tumor predisposition syndrome. Identifiers: Orphanet 289539, MedGen C3280492, MONDO:0013692, OMIM 614327.

Submissions (3):

Labcorp Genetics (formerly Invitae), Labcorp
Classification: Uncertain significance for BAP1-related tumor predisposition syndrome. Last evaluated: 2025-11-20. Review status: criteria provided, single submitter. Criteria: Invitae Variant Classification Sherloc (09022015). Collection method: clinical testing. Allele origin: germline.
Comment: This sequence change replaces threonine, which is neutral and polar, with alanine, which is neutral and non-polar, at codon 177 of the BAP1 protein (p.Thr177Ala). This variant is not present in population databases (gnomAD no frequency). This variant has not been reported in the literature in individuals affected with BAP1-related conditions. ClinVar contains an entry for this variant (Variation ID: 848782). Invitae Evidence Modeling of protein sequence and biophysical properties (such as structural, functional, and spatial information, amino acid conservation, physicochemical variation, residue mobility, and thermodynamic stability) indicates that this missense variant is not expected to disrupt BAP1 protein function with a negative predictive value of 80%. In summary, the available evidence is currently insufficient to determine the role of this variant in disease. Therefore, it has been classified as a Variant of Uncertain Significance.

Ambry Genetics
Classification: Benign for Hereditary cancer-predisposing syndrome. Last evaluated: 2025-08-07. Review status: criteria provided, single submitter. Criteria: Ambry Variant Classification Scheme 2023. Collection method: clinical testing. Allele origin: germline.

Color Diagnostics, LLC DBA Color Health
Classification: Uncertain significance for Hereditary cancer-predisposing syndrome. Last evaluated: 2023-09-24. Review status: criteria provided, single submitter. Criteria: ACMG Guidelines, 2015. Collection method: clinical testing. Allele origin: germline.
Comment: This missense variant replaces threonine with alanine at codon 177 of the BAP1 protein. Computational prediction suggests that this variant may not impact protein structure and function (internally defined REVEL score threshold <= 0.5, PMID: 27666373). To our knowledge, functional studies have not been reported for this variant. This variant has not been reported in individuals affected with BAP1-related disorders in the literature. This variant has not been identified in the general population by the Genome Aggregation Database (gnomAD). The available evidence is insufficient to determine the role of this variant in disease conclusively. Therefore, this variant is classified as a Variant of Uncertain Significance.

Literature cited by the submitters: PubMed 38969833 (cited by Ambry Genetics).

NM_004656.4(BAP1):c.529A>G (p.Thr177Ala)

Gene: BAP1 (BRCA1 associated deubiquitinase 1; minus strand). Cytogenetic location: 3p21.1.
Variant type: single nucleotide variant.
Coding change: c.529A>G on transcript NM_004656.4 (MANE Select); coding-DNA position 529, A replaced by G.
Protein change: p.Thr177Ala; replaces threonine 177 with alanine.
Molecular consequence: missense variant.
Genome position (GRCh38, 1-based): chr3:52,407,225, T>C on the plus strand (A>G on the coding strand, the complement: BAP1 is on the minus strand). VCF-style: chr3-52407225-T-C. GRCh37 (hg19) VCF-style: chr3-52441241-T-C.
Other names: short protein forms T177A.
Identifiers: ClinVar variation 848782 (VCV000848782.11), dbSNP rs1705194837, ClinGen allele CA353109774.